The following is an entry in ClinVar:

NM_000152.5(GAA):c.693-413A>G

Gene: GAA (alpha glucosidase; plus strand). Cytogenetic location: 17q25.3.
Variant type: single nucleotide variant.
Coding change: c.693-413A>G on transcript NM_000152.5 (MANE Select); 413 bases into the intron before coding-DNA position 693, A replaced by G.
Molecular consequence: intron variant.
Genome position (GRCh38, 1-based): chr17:80,107,144, A>G. VCF-style: chr17-80107144-A-G. GRCh37 (hg19) VCF-style: chr17-78080943-A-G.
Other names: c.693-413A>G (NM_001406741.1, NM_001406742.1, NM_001079803.3 and 1 more transcripts).
Identifiers: ClinVar variation 4876414 (VCV004876414.1).

ClinVar aggregate classification (germline): Benign (1 of 4 stars; one submission).

Conditions:
Glycogen storage disease, type II (IOPD). Also called: Pompe Disease; CARDIOMEGALIA GLYCOGENICA DIFFUSA; GLYCOGENOSIS, GENERALIZED, CARDIAC FORM; GSD II; POMPE DISEASE, INFANTILE-ONSET; GLYCOGEN STORAGE DISEASE II, INFANTILE-ONSET. Identifiers: Orphanet 365, MedGen C0017921, MONDO:0009290, OMIM 232300.

gnomAD v4.1: 99,324 of 151,716 alleles (65%); highest among the groups gnomAD compares: Middle Eastern, 85%; 33,344 homozygotes.

Submission:

Genomenon, Inc
Classification: Benign for Glycogen storage disease, type II. Last evaluated: 2026-07-01. Review status: criteria provided, single submitter. Criteria: Genomenon Sequence Variant Interpretation Standards - Updated. Collection method: curation. Allele origin: germline. Affected: no.
Comment: GAA c.693-413A>G is an intronic variant located in intron 3. This variant is present at high allele frequency in population databases. We classify GAA c.693-413A>G as a benign variant.